The following is an entry in ClinVar:

NM_152296.5(ATP1A3):c.2035G>A (p.Val679Ile)

Gene: ATP1A3 (ATPase Na+/K+ transporting subunit alpha 3; minus strand). Cytogenetic location: 19q13.2.
Variant type: single nucleotide variant.
Coding change: c.2035G>A on transcript NM_152296.5 (MANE Select); coding-DNA position 2035, G replaced by A.
Protein change: p.Val679Ile; replaces valine 679 with isoleucine.
Molecular consequence: missense variant.
Genome position (GRCh38, 1-based): chr19:41,976,475, C>T on the plus strand (G>A on the coding strand, the complement: ATP1A3 is on the minus strand). VCF-style: chr19-41976475-C-T. GRCh37 (hg19) VCF-style: chr19-42480627-C-T.
Other names: c.2068G>A, p.Val690Ile (NM_001256213.2); c.2074G>A, p.Val692Ile (NM_001256214.2); short protein forms V690I, V679I, V692I.
Identifiers: ClinVar variation 941664 (VCV000941664.10), dbSNP rs781854249, ClinGen allele CA9467498.

ClinVar aggregate classification (germline): Uncertain significance. Review status: criteria provided, multiple submitters, no conflicts (2 of 4 stars). 2 submissions from 2 submitters: Uncertain significance (2). Last evaluated 2025-06-22.

Conditions:
Dystonia 12 (DYT12). Also called: DYT-ATP1A3; Rapid-Onset Dystonia-Parkinsonism (RDP). Identifiers: Orphanet 71517, MedGen C1868681, MONDO:0007496, OMIM 128235.

Allele frequency attached by ClinVar (database versions not stated): gnomAD exomes below 0.00001; ExAC 0.00001.
gnomAD v4.1: 2 of 1,614,178 alleles (0.00012%); highest among the groups gnomAD compares: East Asian, 0.0022%; no homozygotes.

Submissions (2):

GeneDx
Classification: Uncertain significance. Last evaluated: 2025-06-22. Review status: criteria provided, single submitter. Criteria: GeneDx Variant Classification Process June 2021. Collection method: clinical testing. Allele origin: germline. Affected: yes.
Comment: Not observed at significant frequency in large population cohorts (gnomAD); In silico analysis suggests that this missense variant does not alter protein structure/function; Has not been previously published as pathogenic or benign to our knowledge

Labcorp Genetics (formerly Invitae), Labcorp
Classification: Uncertain significance for Dystonia 12. Last evaluated: 2020-02-07. Review status: criteria provided, single submitter. Criteria: Invitae Variant Classification Sherloc (09022015). Collection method: clinical testing. Allele origin: germline.
Comment: This variant is present in population databases (rs781854249, ExAC 0.01%). This variant has not been reported in the literature in individuals with ATP1A3-related conditions. Algorithms developed to predict the effect of missense changes on protein structure and function are either unavailable or do not agree on the potential impact of this missense change (SIFT: "Deleterious"; PolyPhen-2: "Benign"; Align-GVGD: "Class C0"). In summary, the available evidence is currently insufficient to determine the role of this variant in disease. Therefore, it has been classified as a Variant of Uncertain Significance. This sequence change replaces valine with isoleucine at codon 679 of the ATP1A3 protein (p.Val679Ile). The valine residue is highly conserved and there is a small physicochemical difference between valine and isoleucine.